The following is an entry in ClinVar:

NM_000156.6(GAMT):c.570+5G>A

Gene: GAMT (guanidinoacetate N-methyltransferase; minus strand). Cytogenetic location: 19p13.3.
Variant type: single nucleotide variant.
Coding change: c.570+5G>A on transcript NM_000156.6 (MANE Select); 5 bases into the intron after coding-DNA position 570, G replaced by A.
Molecular consequence: intron variant. On other transcripts: missense variant (1).
Genome position (GRCh38, 1-based): chr19:1,398,911, C>T on the plus strand (G>A on the coding strand, the complement: GAMT is on the minus strand). VCF-style: chr19-1398911-C-T. GRCh37 (hg19) VCF-style: chr19-1398910-C-T.
Other names: c.575G>A, p.Arg192His (NM_138924.3); c.575G>A (NM_138924.2); short protein forms R192H.
Identifiers: ClinVar variation 640879 (VCV000640879.15), dbSNP rs199678332, ClinGen allele CA9043610.

ClinVar aggregate classification (germline): Uncertain significance. Review status: criteria provided, multiple submitters, no conflicts (2 of 4 stars). 6 submissions from 6 submitters: Uncertain significance (4). 2 of the submissions do not count toward it. Last evaluated 2025-10-30.

Conditions:
GAMT-related disorder. Also called: GAMT-related condition.
Cerebral creatine deficiency syndrome. Also called: Creatine deficiency syndromes. Identifiers: Orphanet 79172, MedGen C5244016, MONDO:0000456.
Inborn genetic diseases. Identifiers: MedGen C0950123, MeSH D030342.
Deficiency of guanidinoacetate methyltransferase (CCDS2). Also called: CEREBRAL CREATINE DEFICIENCY SYNDROME 2; Guanidinoacetate Methyltransferase (GAMT) Deficiency; GAMT DEFICIENCY. Identifiers: Orphanet 382, MedGen C0574080, MONDO:0012999, OMIM 612736.

Allele frequency attached by ClinVar (database versions not stated): TOPMed 0.00002.

Submissions (6):

GeneDx
Classification: Uncertain significance. Last evaluated: 2025-10-30. Review status: criteria provided, single submitter. Criteria: GeneDx Variant Classification Process June 2021. Collection method: clinical testing. Allele origin: germline. Affected: yes.
Comment: Has not been previously published as pathogenic or benign to our knowledge; Not observed at significant frequency in large population cohorts (gnomAD); Nucleotide is not conserved across species and the substitution has no predicted effect on splicing; In silico analysis suggests that this variant does not alter splicing

Blueprint Genetics
Classification: Uncertain significance. Last evaluated: 2024-10-23. Review status: criteria provided, single submitter. Criteria: ACMG Guidelines, 2015. Collection method: clinical testing. Allele origin: germline.

Labcorp Genetics (formerly Invitae), Labcorp
Classification: Uncertain significance for Cerebral creatine deficiency syndrome. Last evaluated: 2022-09-01. Review status: criteria provided, single submitter. Criteria: Invitae Variant Classification Sherloc (09022015). Collection method: clinical testing. Allele origin: germline.
Comment: This sequence change falls in intron 5 of the GAMT gene. It does not directly change the encoded amino acid sequence of the GAMT protein. It affects a nucleotide within the consensus splice site. The frequency data for this variant in the population databases is considered unreliable, as metrics indicate poor data quality at this position in the gnomAD database. This variant has not been reported in the literature in individuals affected with GAMT-related conditions. ClinVar contains an entry for this variant (Variation ID: 640879). Variants that disrupt the consensus splice site are a relatively common cause of aberrant splicing (PMID: 17576681, 9536098). Algorithms developed to predict the effect of sequence changes on RNA splicing suggest that this variant is not likely to affect RNA splicing. In summary, the available evidence is currently insufficient to determine the role of this variant in disease. Therefore, it has been classified as a Variant of Uncertain Significance.

Ambry Genetics
Classification: Uncertain significance for Inborn genetic diseases. Last evaluated: 2019-06-28. Review status: criteria provided, single submitter. Criteria: Ambry Variant Classification Scheme 2023. Collection method: clinical testing. Allele origin: germline.
Comment: The c.570+5G>A intronic variant results from a G to A substitution 5 nucleotides after coding exon 5 in the GAMT gene. This nucleotide position is not well conserved in available vertebrate species. Using two different splice site prediction tools, this alteration is predicted by BDGP to abolish the native splice donor site, but is predicted to weaken (but not abolish) the efficiency of the native splice donor site by ESEfinder; however, direct evidence is unavailable. Since supporting evidence is limited at this time, the clinical significance of this alteration remains unclear.

PreventionGenetics, part of Exact Sciences
Classification: Uncertain significance for GAMT-related condition. Last evaluated: 2023-10-18. Review status: no assertion criteria provided. Collection method: clinical testing. Allele origin: germline. Not counted in ClinVar's aggregate classification.
Comment: The GAMT c.575G>A variant is predicted to result in the amino acid substitution p.Arg192His. Of note, this variant is intronic (c.570+5G>A) in the primary transcript (NM_000156.6) listed in the Human Gene Mutation Database (HGMD). Splicing prediction programs indicate that this variant may weaken the canonical splice donor site at the junction of exon 5 and intron 5 (Alamut Visual v1.6.1). To our knowledge, this variant has not been reported in the literature. This variant is reported in 0.0057% of alleles in individuals of Latino descent in gnomAD. At this time, the clinical significance of this variant is uncertain due to the absence of conclusive functional and genetic evidence.

Natera, Inc.
Classification: Uncertain significance for Guanidinoacetate methyltransferase deficiency. Last evaluated: 2020-02-21. Review status: no assertion criteria provided. Collection method: clinical testing. Allele origin: germline. Not counted in ClinVar's aggregate classification.

Literature cited by the submitters: PubMed 17576681 (cited by Labcorp Genetics (formerly Invitae), Labcorp); PubMed 9536098 (cited by Labcorp Genetics (formerly Invitae), Labcorp).